The following is an entry in ClinVar:

NM_025074.7(FRAS1):c.8588C>G (p.Pro2863Arg)

Genes: FRAS1 (Fraser extracellular matrix complex subunit 1; plus strand), LOC126807088 (CDK7 strongly-dependent group 2 enhancer GRCh37_chr4:79402250-79403449; plus strand). Cytogenetic location: 4q21.21.
Variant type: single nucleotide variant.
Coding change: c.8588C>G on transcript NM_025074.7 (MANE Select); coding-DNA position 8588, C replaced by G.
Protein change: p.Pro2863Arg; replaces proline 2863 with arginine.
Molecular consequence: missense variant.
Genome position (GRCh38, 1-based): chr4:78,481,948, C>G. VCF-style: chr4-78481948-C-G. GRCh37 (hg19) VCF-style: chr4-79403102-C-G.
Other names: short protein forms P2863R.
Identifiers: ClinVar variation 1306363 (VCV001306363.3), dbSNP rs774716802, ClinGen allele CA2978418.

ClinVar aggregate classification (germline): Uncertain significance. Review status: criteria provided, multiple submitters, no conflicts (2 of 4 stars). 2 submissions from 2 submitters: Uncertain significance (2). Last evaluated 2024-12-17.

Conditions:
Inborn genetic diseases. Identifiers: MedGen C0950123, MeSH D030342.

Allele frequency attached by ClinVar (database versions not stated): ExAC 0.00001; gnomAD exomes 0.00001.
gnomAD v4.1: 7 of 1,613,798 alleles (0.00043%); highest among the groups gnomAD compares: Non-Finnish European, 0.00059%; no homozygotes.

Submissions (2):

Ambry Genetics
Classification: Uncertain significance for Inborn genetic diseases. Last evaluated: 2024-12-17. Review status: criteria provided, single submitter. Criteria: Ambry Variant Classification Scheme 2023. Collection method: clinical testing. Allele origin: germline.

GeneDx
Classification: Uncertain significance. Last evaluated: 2019-06-25. Review status: criteria provided, single submitter. Criteria: GeneDx Variant Classification Process June 2021. Collection method: clinical testing. Allele origin: germline. Affected: yes.
Comment: In silico analysis, which includes protein predictors and evolutionary conservation, supports a deleterious effect; Has not been previously published as pathogenic or benign to our knowledge